The following is an entry in ClinVar:

NM_002519.3(NPAT):c.1750G>A (p.Val584Met)

Gene: NPAT (nuclear protein, coactivator of histone transcription; minus strand). Cytogenetic location: 11q22.3.
Variant type: single nucleotide variant.
Coding change: c.1750G>A on transcript NM_002519.3 (MANE Select); coding-DNA position 1750, G replaced by A.
Protein change: p.Val584Met; replaces valine 584 with methionine.
Molecular consequence: missense variant.
Genome position (GRCh38, 1-based): chr11:108,173,234, C>T on the plus strand (G>A on the coding strand, the complement: NPAT is on the minus strand). VCF-style: chr11-108173234-C-T. GRCh37 (hg19) VCF-style: chr11-108043961-C-T.
Other names: c.1750G>A, p.Val584Met (NM_001321307.1); short protein forms V584M.
Identifiers: ClinVar variation 1779391 (VCV001779391.4), dbSNP rs899972140, ClinGen allele CA228384405.

ClinVar aggregate classification (germline): Uncertain significance. Review status: criteria provided, multiple submitters, no conflicts (2 of 4 stars). 2 submissions from 2 submitters: Uncertain significance (2). Last evaluated 2024-11-25.

Allele frequency attached by ClinVar (database versions not stated): gnomAD exomes below 0.00001; TOPMed below 0.00001; gnomAD 0.00001.
gnomAD v4.1: 4 of 1,612,934 alleles (0.00025%); highest among the groups gnomAD compares: Admixed American, 0.0017%; no homozygotes.

Submissions (2):

Labcorp Genetics (formerly Invitae), Labcorp
Classification: Uncertain significance. Last evaluated: 2024-11-25. Review status: criteria provided, single submitter. Criteria: Invitae Variant Classification Sherloc (09022015). Collection method: clinical testing. Allele origin: germline.
Comment: This sequence change replaces valine, which is neutral and non-polar, with methionine, which is neutral and non-polar, at codon 584 of the NPAT protein (p.Val584Met). This variant is not present in population databases (gnomAD no frequency). This variant has not been reported in the literature in individuals affected with NPAT-related conditions. ClinVar contains an entry for this variant (Variation ID: 1779391). An algorithm developed to predict the effect of missense changes on protein structure and function (PolyPhen-2) suggests that this variant is likely to be tolerated. In summary, the available evidence is currently insufficient to determine the role of this variant in disease. Therefore, it has been classified as a Variant of Uncertain Significance.

Ambry Genetics
Classification: Uncertain significance. Last evaluated: 2024-01-11. Review status: criteria provided, single submitter. Criteria: Ambry Variant Classification Scheme 2023. Collection method: clinical testing. Allele origin: germline.
Comment: The p.V584M variant (also known as c.1750G>A), located in coding exon 13 of the NPAT gene, results from a G to A substitution at nucleotide position 1750. The valine at codon 584 is replaced by methionine, an amino acid with highly similar properties. This amino acid position is conserved. In addition, this alteration is predicted to be tolerated by in silico analysis. Since supporting evidence is limited at this time, the clinical significance of this alteration remains unclear.